The following is an entry in ClinVar:

NM_000264.5(PTCH1):c.691C>T (p.Pro231Ser)

Gene: PTCH1 (patched 1; minus strand). Cytogenetic location: 9q22.32.
Variant type: single nucleotide variant.
Coding change: c.691C>T on transcript NM_000264.5 (MANE Select); coding-DNA position 691, C replaced by T.
Protein change: p.Pro231Ser; replaces proline 231 with serine.
Molecular consequence: missense variant. On other transcripts: non-coding transcript variant (1).
Genome position (GRCh38, 1-based): chr9:95,482,004, G>A on the plus strand (C>T on the coding strand, the complement: PTCH1 is on the minus strand). VCF-style: chr9-95482004-G-A. GRCh37 (hg19) VCF-style: chr9-98244286-G-A.
Other names: c.493C>T, p.Pro165Ser (NM_001083602.3, NM_001354919.2); c.688C>T, p.Pro230Ser (NM_001083603.3); c.238C>T, p.Pro80Ser (NM_001083604.3, NM_001083605.3, NM_001083606.3 and 1 more transcripts); c.691C>T, p.Pro231Ser (NM_001354918.2); short protein forms P165S, P231S, P230S, P80S.
Identifiers: ClinVar variation 570058 (VCV000570058.13), dbSNP rs1564057856, ClinGen allele CA374114912.

ClinVar aggregate classification (germline): Uncertain significance. Review status: criteria provided, multiple submitters, no conflicts (2 of 4 stars). 3 submissions from 3 submitters: Uncertain significance (3). Last evaluated 2026-04-23.

Conditions:
Basal cell carcinoma, susceptibility to, 1. Also called: BCC1. Identifiers: MedGen C2751544, MONDO:0011556, OMIM 605462.
Holoprosencephaly 7 (HPE7). Identifiers: Orphanet 2162, MedGen C1835820, MONDO:0012562, OMIM 610828.
Basal cell nevus syndrome 1 (BCNS1). Also called: GORLIN-GOLTZ SYNDROME; MULTIPLE BASAL CELL NEVI, ODONTOGENIC KERATOCYSTS, AND SKELETAL ANOMALIES. Identifiers: MedGen CN376810, MONDO:0958174, OMIM 109400.
Gorlin syndrome. Also called: Basal cell nevus syndrome; Nevoid Basal Cell Carcinoma Syndrome. Identifiers: Orphanet 377, MedGen C0004779, MONDO:0007187.
Hereditary cancer-predisposing syndrome. Also called: Tumor predisposition; Hereditary Cancer Syndrome; Neoplastic Syndromes, Hereditary; Hereditary neoplastic syndrome. Identifiers: Orphanet 140162, MedGen C0027672, MeSH D009386, MONDO:0015356.

Submissions (3):

Ambry Genetics
Classification: Uncertain significance for Hereditary cancer-predisposing syndrome. Last evaluated: 2026-04-23. Review status: criteria provided, single submitter. Criteria: Ambry Variant Classification Scheme 2023. Collection method: clinical testing. Allele origin: germline.
Comment: The p.P231S variant (also known as c.691C>T), located in coding exon 5 of the PTCH1 gene, results from a C to T substitution at nucleotide position 691. The proline at codon 231 is replaced by serine, an amino acid with similar properties. This amino acid position is conserved. In addition, this alteration is predicted to be deleterious by in silico analysis. Based on the available evidence, the clinical significance of this variant remains unclear.

Labcorp Genetics (formerly Invitae), Labcorp
Classification: Uncertain significance for Gorlin syndrome. Last evaluated: 2018-04-10. Review status: criteria provided, single submitter. Criteria: Invitae Variant Classification Sherloc (09022015). Collection method: clinical testing. Allele origin: germline.
Comment: Algorithms developed to predict the effect of missense changes on protein structure and function (SIFT, PolyPhen-2, Align-GVGD) all suggest that this variant is likely to be disruptive, but these predictions have not been confirmed by published functional studies and their clinical significance is uncertain. In summary, the available evidence is currently insufficient to determine the role of this variant in disease. Therefore, it has been classified as a Variant of Uncertain Significance. This variant has not been reported in the literature in individuals with PTCH1-related disease. This sequence change replaces proline with serine at codon 231 of the PTCH1 protein (p.Pro231Ser). The proline residue is highly conserved and there is a moderate physicochemical difference between proline and serine. This variant is not present in population databases (ExAC no frequency).

Juno Genomics, Hangzhou Juno Genomics, Inc
Classification: Uncertain significance for Basal cell nevus syndrome 1; Basal cell carcinoma, susceptibility to, 1; Holoprosencephaly 7. Review status: criteria provided, single submitter. Criteria: ACMG Guidelines, 2015. Collection method: clinical testing. Allele origin: germline. Affected: yes.
Comment: Absent from controls (or at extremely low frequency if recessive) in Genome Aggregation Database, Exome Sequencing Project, 1000 Genomes Project, or Exome Aggregation Consortium.;Multiple lines of computational evidence support a deleterious effect on the gene or gene product (conservation, evolutionary, splicing impact, etc).;Missense variant in a gene that has a low rate of benign missense variation and where missense variants are a common mechanism of disease.